The following is an entry in ClinVar:

ClinVar aggregate classification (germline): Conflicting classifications of pathogenicity. Review status: criteria provided, conflicting classifications (1 of 4 stars). 26 submissions from 22 submitters: Uncertain significance (4); Benign (4); Likely benign (10). 8 of the submissions do not count toward it. Last evaluated 2026-04-01.

Conditions:
TTN-related disorder. Also called: TTN-related condition; TTN-related disease; TTN-related disorders.
Cardiovascular phenotype. Identifiers: MedGen CN230736.
Dilated cardiomyopathy 1G (CMD1G). Identifiers: Orphanet 154, MedGen C1858763, MONDO:0011400, OMIM 604145.
Autosomal recessive limb-girdle muscular dystrophy type 2J (LGMDR10). Also called: Limb-girdle muscular dystrophy, type 2J; MUSCULAR DYSTROPHY, LIMB-GIRDLE, AUTOSOMAL RECESSIVE 10. Identifiers: Orphanet 140922, MedGen C1837342, MONDO:0012127, OMIM 608807.
Cardiomyopathy (CMYO). Also called: Cardiomyopathies. Identifiers: Orphanet 167848, MedGen C0878544, MONDO:0004994, HP:0001638. Inheritance: Various modes of inheritance.
Early-onset myopathy with fatal cardiomyopathy (CMYO5). Also called: Salih Myopathy; CONGENITAL MYOPATHY 5 WITH CARDIOMYOPATHY. Identifiers: Orphanet 289377, MedGen C2673677, MONDO:0012714, OMIM 611705. Disease mechanism: loss of function.
Myopathy, myofibrillar, 9, with early respiratory failure (MFM9). Also called: Hereditary myopathy with early respiratory failure; Myopathy, distal, with early respiratory failure, autosomal dominant; EDSTROM MYOPATHY; MYOPATHY, PROXIMAL, WITH EARLY RESPIRATORY MUSCLE INVOLVEMENT. Identifiers: Orphanet 178464, Orphanet 34521, MedGen C1863599, MONDO:0011362, OMIM 603689.
Tibial muscular dystrophy (TMD). Also called: Udd Distal Myopathy – Tibial Muscular Dystrophy; Tibial muscular dystrophy, tardive; UDD MYOPATHY. Identifiers: Orphanet 609, MedGen C1838244, MONDO:0010870, OMIM 600334.
Tip-toe gait. Also called: Toe walking. Identifiers: MedGen C0427144, HP:0030051.

Allele frequency attached by ClinVar (database versions not stated): 1000 Genomes Project 30x 0.00016; 1000 Genomes Project 0.00020; TOPMed 0.00083; ESP Exome Variant Server 0.00091; ExAC 0.00114; gnomAD 0.00114 and 0.00117; gnomAD exomes 0.00121.
gnomAD v4.1: 2,113 of 1,613,484 alleles (0.13%); highest among the groups gnomAD compares: Non-Finnish European, 0.15%; 2 homozygotes.

Submissions 1 to 18 of 26:

CeGaT Center for Human Genetics Tuebingen
Classification: Likely benign. Last evaluated: 2026-04-01. Review status: criteria provided, single submitter. Criteria: CeGaT Center For Human Genetics Tuebingen Variant Classification Criteria Version 2. Collection method: clinical testing. Allele origin: germline. Affected: yes. Observed: 3 variant alleles.
Comment: TTN: BP4

Labcorp Genetics (formerly Invitae), Labcorp
Classification: Likely benign for Dilated cardiomyopathy 1G; Autosomal recessive limb-girdle muscular dystrophy type 2J. Last evaluated: 2026-02-01. Review status: criteria provided, single submitter. Criteria: Invitae Variant Classification Sherloc (09022015). Collection method: clinical testing. Allele origin: germline.

Mayo Clinic Laboratories, Mayo Clinic
Classification: Likely benign. Last evaluated: 2025-11-21. Review status: criteria provided, single submitter. Criteria: ACMG Guidelines, 2015. Collection method: clinical testing. Allele origin: germline. Observed: 5 variant alleles.
Comment: BS1

Molecular Diagnostic Laboratory for Inherited Cardiovascular Disease, Montreal Heart Institute
Classification: Likely benign. Last evaluated: 2025-04-09. Review status: criteria provided, single submitter. Criteria: ACMG Guidelines, 2015. Collection method: clinical testing. Allele origin: germline. Affected: no.

Blueprint Genetics
Classification: Likely benign. Last evaluated: 2024-11-26. Review status: criteria provided, single submitter. Criteria: ACMG Guidelines, 2015. Collection method: clinical testing. Allele origin: germline.

Women's Health and Genetics/Laboratory Corporation of America, LabCorp
Classification: Likely benign. Last evaluated: 2022-01-14. Review status: criteria provided, single submitter. Criteria: LabCorp Variant Classification Summary - May 2015. Collection method: clinical testing. Allele origin: germline.
Comment: Variant summary: TTN c.53017G>C (p.Glu17673Gln) results in a conservative amino acid change located in the A-band region of the encoded protein sequence. Three of five in-silico tools predict a damaging effect of the variant on protein function. The variant allele was found at a frequency of 0.0012 in 247686 control chromosomes. The observed variant frequency is approximately 3 fold of the estimated maximal expected allele frequency for a pathogenic variant in TTN causing Dilated Cardiomyopathy phenotype (0.00039), strongly suggesting that the variant is benign. Although reported in the literature (example, Pugh_2014, Kostareva_2016), to our knowledge, no occurrence of c.53017G>C in individuals affected with Dilated Cardiomyopathy/Limb-Girdle Muscular Dystrophy, Type 2J and/or other associated phenotypes and no experimental evidence demonstrating its impact on protein function have been reported. Eight clinical diagnostic laboratories have submitted clinical-significance assessments for this variant to ClinVar after 2014 without evidence for independent evaluation with a predominant consensus as likely benign/benign (n=6). Based on the evidence outlined above, the variant was classified as likely benign.

GeneDx
Classification: Likely benign. Last evaluated: 2021-06-22. Review status: criteria provided, single submitter. Criteria: GeneDx Variant Classification Process June 2021. Collection method: clinical testing. Allele origin: germline. Affected: yes.
Comment: This variant is associated with the following publications: (PMID: 24503780, 23861362, 27662471)

Athena Diagnostics
Classification: Benign. Last evaluated: 2020-11-17. Review status: criteria provided, single submitter. Criteria: Athena Diagnostics criteria. Collection method: clinical testing. Allele origin: unknown.

Ambry Genetics
Classification: Likely benign for Cardiovascular phenotype. Last evaluated: 2018-08-26. Review status: criteria provided, single submitter. Criteria: Ambry Variant Classification Scheme 2023. Collection method: clinical testing. Allele origin: germline.

CHEO Genetics Diagnostic Laboratory, Children's Hospital of Eastern Ontario
Classification: Benign for Cardiomyopathy. Last evaluated: 2018-04-10. Review status: criteria provided, single submitter. Criteria: ACMG Guidelines, 2015. Collection method: clinical testing. Allele origin: germline.

Illumina Laboratory Services, Illumina
Classification: Uncertain significance for Early-onset myopathy with fatal cardiomyopathy. Last evaluated: 2018-01-13. Review status: criteria provided, single submitter. Criteria: ICSL Variant Classification Criteria 13 December 2019. Collection method: clinical testing. Allele origin: germline.

Illumina Laboratory Services, Illumina
Classification: Benign for Myopathy, myofibrillar, 9, with early respiratory failure. Last evaluated: 2018-01-13. Review status: criteria provided, single submitter. Criteria: ICSL Variant Classification Criteria 13 December 2019. Collection method: clinical testing. Allele origin: germline.
Comment: This variant was observed in the ICSL laboratory as part of a predisposition screen in an ostensibly healthy population. It had not been previously curated by ICSL or reported in the Human Gene Mutation Database (HGMD: prior to June 1st, 2018), and was therefore a candidate for classification through an automated scoring system. Utilizing variant allele frequency, disease prevalence and penetrance estimates, and inheritance mode, an automated score was calculated to assess if this variant is too frequent to cause the disease. Based on the score and internal cut-off values, a variant classified as benign is not then subjected to further curation. The score for this variant resulted in a classification of benign for this disease.

Illumina Laboratory Services, Illumina
Classification: Uncertain significance for Dilated cardiomyopathy 1G. Last evaluated: 2018-01-13. Review status: criteria provided, single submitter. Criteria: ICSL Variant Classification Criteria 13 December 2019. Collection method: clinical testing. Allele origin: germline.

Illumina Laboratory Services, Illumina
Classification: Benign for Tibial muscular dystrophy. Last evaluated: 2018-01-13. Review status: criteria provided, single submitter. Criteria: ICSL Variant Classification Criteria 13 December 2019. Collection method: clinical testing. Allele origin: germline.
Comment: the same text as in the submission from Illumina Laboratory Services, Illumina above.

Illumina Laboratory Services, Illumina
Classification: Uncertain significance for Autosomal recessive limb-girdle muscular dystrophy type 2J. Last evaluated: 2018-01-13. Review status: criteria provided, single submitter. Criteria: ICSL Variant Classification Criteria 13 December 2019. Collection method: clinical testing. Allele origin: germline.

Eurofins Ntd Llc (ga)
Classification: Likely benign. Last evaluated: 2016-08-05. Review status: criteria provided, single submitter. Criteria: EGL Classification Definitions 2015. Collection method: clinical testing. Allele origin: germline. Observed: 7 variant alleles, 7 heterozygotes.

Biesecker Lab/Clinical Genomics Section, National Institutes of Health
Classification: Likely benign. Last evaluated: 2013-06-24. Review status: criteria provided, single submitter. Criteria: Ng et al. (Circ Cardiovasc Genet. 2013). Collection method: research. Allele origin: unknown. Observed: 1 variant allele. Study: ClinSeq.
Comment: The study set was not selected for affection status in relation to any cancer. Pathogenicity categories were based on literature curation. See Pubmed ID:23861362 for details.

Medical sequencing

Laboratory for Molecular Medicine, Mass General Brigham Personalized Medicine
Classification: Uncertain significance. Last evaluated: 2012-02-10. Review status: criteria provided, single submitter. Criteria: LMM Criteria. Collection method: clinical testing. Allele origin: germline. Observed: 1 variant allele.
Comment: Variant classified as Uncertain Significance - Favor Benign. The Glu17673Gln var iant (TTN) has been identified in 0.15% (10/6656) of European American chromosom es from a broad population by the NHLBI Exome Sequencing Project (.). Computational analyses (biochemical amino acid properties, conservation, AlignGVGD, and SIFT) do not provide strong support for or against an impact to the protein. Although the frequency of the Glu17673Gln variant sugg ests that it may be benign, additional information is needed to fully assess its clinical significance.

NM_001267550.2(TTN):c.60721G>C (p.Glu20241Gln)

Genes: TTN (titin; minus strand), TTN-AS1 (TTN antisense RNA 1; plus strand). Cytogenetic location: 2q31.2.
Variant type: single nucleotide variant.
Coding change: c.60721G>C on transcript NM_001267550.2 (MANE Select); coding-DNA position 60721, G replaced by C.
Protein change: p.Glu20241Gln; replaces glutamic acid 20241 with glutamine.
Molecular consequence: missense variant.
Genome position (GRCh38, 1-based): chr2:178,591,004, C>G on the plus strand (G>C on the coding strand, the complement: TTN is on the minus strand). VCF-style: chr2-178591004-C-G. GRCh37 (hg19) VCF-style: chr2-179455731-C-G.
Other names: p.E18600Q:GAA>CAA; c.55798G>C, p.Glu18600Gln (NM_001256850.1); c.53017G>C, p.Glu17673Gln (NM_133378.4); c.33526G>C, p.Glu11176Gln (NM_003319.4); c.33901G>C, p.Glu11301Gln (NM_133432.3); c.34102G>C, p.Glu11368Gln (NM_133437.4); c.60721G>C (NM_001267550.1); short protein forms E20241Q, E17673Q, E18600Q, E11176Q, E11301Q, E11368Q.
Identifiers: ClinVar variation 47163 (VCV000047163.78), dbSNP rs200212521, ClinGen allele CA140179.